The following is an entry in ClinVar:

ClinVar aggregate classification (germline): Pathogenic/Likely pathogenic. Review status: criteria provided, multiple submitters, no conflicts (2 of 4 stars). 2 submissions from 2 submitters: Pathogenic (1); Likely pathogenic (1). Last evaluated 2025-02-10.

Conditions:
Primary ciliary dyskinesia. Also called: Ciliary dyskinesia. Identifiers: Orphanet 244, MedGen C0008780, MONDO:0016575, HP:0012265.

Allele frequency attached by ClinVar (database versions not stated): gnomAD exomes below 0.00001.
gnomAD v4.1: 1 of 1,614,032 alleles (0.000062%); highest among the groups gnomAD compares: South Asian, 0.0011%; no homozygotes.

Submissions (2):

Natera, Inc.
Classification: Likely pathogenic for Primary ciliary dyskinesia. Last evaluated: 2025-02-10. Review status: criteria provided, single submitter. Criteria: Natera Variant Classification Schema (03/2026). Collection method: clinical testing. Allele origin: germline.
Comment: The c.10522C>T variant in DNAH5 is a nonsense variant predicted to introduce a stop codon at amino acid 3508. This variant is expected to result in nonsense mediated decay, truncation, or a dysfunctional protein product. This variant is rare in the general population with a frequency below the threshold expected for the associated phenotype(s). Given the available evidence, this variant is classified as Likely Pathogenic.

Labcorp Genetics (formerly Invitae), Labcorp
Classification: Pathogenic for Primary ciliary dyskinesia. Last evaluated: 2022-05-19. Review status: criteria provided, single submitter. Criteria: Invitae Variant Classification Sherloc (09022015). Collection method: clinical testing. Allele origin: germline.
Comment: This variant is not present in population databases (gnomAD no frequency). This variant has not been reported in the literature in individuals affected with DNAH5-related conditions. For these reasons, this variant has been classified as Pathogenic. This sequence change creates a premature translational stop signal (p.Gln3508*) in the DNAH5 gene. It is expected to result in an absent or disrupted protein product. Loss-of-function variants in DNAH5 are known to be pathogenic (PMID: 11788826, 16627867).

Literature cited by the submitters: PubMed 11788826 (cited by Labcorp Genetics (formerly Invitae), Labcorp); PubMed 16627867 (cited by Labcorp Genetics (formerly Invitae), Labcorp).

NM_001369.3(DNAH5):c.10522C>T (p.Gln3508Ter)

Gene: DNAH5 (dynein axonemal heavy chain 5; minus strand). Cytogenetic location: 5p15.2.
Variant type: single nucleotide variant.
Coding change: c.10522C>T on transcript NM_001369.3 (MANE Select); coding-DNA position 10522, C replaced by T.
Protein change: p.Gln3508Ter; replaces glutamine 3508 with a stop codon.
Molecular consequence: nonsense.
Genome position (GRCh38, 1-based): chr5:13,754,236, G>A on the plus strand (C>T on the coding strand, the complement: DNAH5 is on the minus strand). VCF-style: chr5-13754236-G-A. GRCh37 (hg19) VCF-style: chr5-13754345-G-A.
Other names: c.10522C>T (NM_001369.2); short protein forms Q3508*.
Identifiers: ClinVar variation 1454716 (VCV001454716.7), dbSNP rs1750671525, ClinGen allele CA359193451.
Genomic context (GRCh38, chr5:13,754,236, plus strand): 5'-ATCTCATTAATAAAGAAATTTACATACCTACAAGTCTTTTAGTTTGTGCAGCAAACTCTT[G>A]GCTTTGCTCTGTCCATCTTTCTTTTTCACCTGCCAAGCCACTGATGAGCGTGGAAGCTGT-3'